The following is an entry in ClinVar:

NM_032043.3(BRIP1):c.2789C>A (p.Ser930Ter)

Gene: BRIP1 (BRCA1 interacting DNA helicase 1; minus strand). Cytogenetic location: 17q23.2.
Variant type: single nucleotide variant.
Coding change: c.2789C>A on transcript NM_032043.3 (MANE Select); coding-DNA position 2789, C replaced by A.
Protein change: p.Ser930Ter; replaces serine 930 with a stop codon.
Molecular consequence: nonsense.
Genome position (GRCh38, 1-based): chr17:61,685,952, G>T on the plus strand (C>A on the coding strand, the complement: BRIP1 is on the minus strand). VCF-style: chr17-61685952-G-T. GRCh37 (hg19) VCF-style: chr17-59763313-G-T.
Other names: short protein forms S930*.
Identifiers: ClinVar variation 1796007 (VCV001796007.11), dbSNP rs2144111205, ClinGen allele CA400481529.

ClinVar aggregate classification (germline): Pathogenic. Review status: criteria provided, multiple submitters, no conflicts (2 of 4 stars). 3 submissions from 3 submitters: Pathogenic (3). Last evaluated 2025-09-10.

Conditions:
Familial cancer of breast. Also called: BREAST CANCER, FAMILIAL; hereditary breast carcinoma; Hereditary breast cancer. Identifiers: Orphanet 227535, MedGen C0346153, MONDO:0016419, OMIM 114480. Disease mechanism: loss of function.
Fanconi anemia complementation group J. Also called: BRIP1-Related Fanconi Anemia. Identifiers: Orphanet 84, MedGen C1836860, MONDO:0012187, OMIM 609054.
Hereditary cancer-predisposing syndrome. Also called: Neoplastic Syndromes, Hereditary; Tumor predisposition; Hereditary neoplastic syndrome; Hereditary Cancer Syndrome. Identifiers: Orphanet 140162, MedGen C0027672, MeSH D009386, MONDO:0015356.

Submissions (3):

Ambry Genetics
Classification: Pathogenic for Hereditary cancer-predisposing syndrome. Last evaluated: 2025-09-10. Review status: criteria provided, single submitter. Criteria: Ambry Variant Classification Scheme 2023. Collection method: clinical testing. Allele origin: germline.
Comment: The p.S930* pathogenic mutation (also known as c.2789C>A), located in coding exon 18 of the BRIP1 gene, results from a C to A substitution at nucleotide position 2789. This changes the amino acid from a serine to a stop codon within coding exon 18. This variant is considered to be rare based on population cohorts in the Genome Aggregation Database (gnomAD). This alteration is expected to result in loss of function by premature protein truncation or nonsense-mediated mRNA decay. As such, this alteration is interpreted as a disease-causing mutation.

Labcorp Genetics (formerly Invitae), Labcorp
Classification: Pathogenic for Familial cancer of breast; Fanconi anemia complementation group J. Last evaluated: 2024-08-19. Review status: criteria provided, single submitter. Criteria: Invitae Variant Classification Sherloc (09022015). Collection method: clinical testing. Allele origin: germline.
Comment: This sequence change creates a premature translational stop signal (p.Ser930*) in the BRIP1 gene. It is expected to result in an absent or disrupted protein product. Loss-of-function variants in BRIP1 are known to be pathogenic (PMID: 16116423, 17033622, 21964575). This variant is not present in population databases (gnomAD no frequency). This variant has not been reported in the literature in individuals affected with BRIP1-related conditions. ClinVar contains an entry for this variant (Variation ID: 1796007). For these reasons, this variant has been classified as Pathogenic.

Myriad Genetics, Inc.
Classification: Pathogenic for Familial cancer of breast. Last evaluated: 2023-06-07. Review status: criteria provided, single submitter. Criteria: Myriad Autosomal Dominant, Autosomal Recessive and X-Linked Classification Criteria (2023). Collection method: clinical testing. Allele origin: unknown.
Comment: This variant is considered pathogenic. This variant creates a termination codon and is predicted to result in premature protein truncation.

Literature cited by the submitters: PubMed 16116423 (cited by Labcorp Genetics (formerly Invitae), Labcorp); PubMed 17033622 (cited by Labcorp Genetics (formerly Invitae), Labcorp); PubMed 21964575 (cited by Labcorp Genetics (formerly Invitae), Labcorp).